The following is an entry in ClinVar:

NM_002941.4(ROBO1):c.661C>T (p.Arg221Ter)

Gene: ROBO1 (roundabout guidance receptor 1; minus strand). Cytogenetic location: 3p12.3.
Variant type: single nucleotide variant.
Coding change: c.661C>T on transcript NM_002941.4 (MANE Select); coding-DNA position 661, C replaced by T.
Protein change: p.Arg221Ter; replaces arginine 221 with a stop codon.
Molecular consequence: nonsense.
Genome position (GRCh38, 1-based): chr3:78,717,880, G>A on the plus strand (C>T on the coding strand, the complement: ROBO1 is on the minus strand). VCF-style: chr3-78717880-G-A. GRCh37 (hg19) VCF-style: chr3-78767030-G-A.
Other names: c.544C>T, p.Arg182Ter (NM_001145845.2, NM_133631.4); short protein forms R221*, R182*.
Identifiers: ClinVar variation 4753505 (VCV004753505.1).

ClinVar aggregate classification (germline): Pathogenic (1 of 4 stars; one submission).

gnomAD v4.1: 11 of 1,611,370 alleles (0.00068%); highest among the groups gnomAD compares: Admixed American, 0.0017%; no homozygotes.

Submission:

Labcorp Genetics (formerly Invitae), Labcorp
Classification: Pathogenic. Last evaluated: 2025-01-29. Review status: criteria provided, single submitter. Criteria: Invitae Variant Classification Sherloc (09022015). Collection method: clinical testing. Allele origin: germline.
Comment: This sequence change creates a premature translational stop signal (p.Arg221*) in the ROBO1 gene. It is expected to result in an absent or disrupted protein product. Loss-of-function variants in ROBO1 are known to be pathogenic (PMID: 29194579, 35227688). The frequency data for this variant in the population databases is considered unreliable, as metrics indicate poor data quality at this position in the gnomAD database. This variant has not been reported in the literature in individuals affected with ROBO1-related conditions. For these reasons, this variant has been classified as Pathogenic.

Literature cited by the submitters: PubMed 29194579; PubMed 35227688.